The following is an entry in ClinVar:

NM_002734.5(PRKAR1A):c.-12C>A

Gene: PRKAR1A (protein kinase cAMP-dependent type I regulatory subunit alpha; plus strand). Cytogenetic location: 17q24.2.
Variant type: single nucleotide variant.
Coding change: c.-12C>A on transcript NM_002734.5 (MANE Select); 12 bases upstream of the start codon, C replaced by A.
Molecular consequence: 5 prime UTR variant. On other transcripts: intron variant (3).
Genome position (GRCh38, 1-based): chr17:68,512,543, C>A. VCF-style: chr17-68512543-C-A. GRCh37 (hg19) VCF-style: chr17-66508684-C-A.
Other names: c.-140+401C>A (NM_001369389.1); c.-7+401C>A (NM_212471.3); c.-145C>A (NM_001276289.2); c.-43C>A (NM_212472.2); c.-6-2851C>A (NM_001278433.2).
Identifiers: ClinVar variation 2728318 (VCV002728318.3), dbSNP rs2085291306, ClinGen allele CA2639514611.

ClinVar aggregate classification (germline): Uncertain significance (1 of 4 stars; one submission).

Conditions:
Carney complex, type 1 (CNC1). Also called: CARNEY COMPLEX, TYPE I; CARNEY MYXOMA-ENDOCRINE COMPLEX. Identifiers: Orphanet 1359, MedGen C2607929, MONDO:0008057, OMIM 160980.

Submission:

Labcorp Genetics (formerly Invitae), Labcorp
Classification: Uncertain significance for Carney complex, type 1. Last evaluated: 2025-09-10. Review status: criteria provided, single submitter. Criteria: Invitae Variant Classification Sherloc (09022015). Collection method: clinical testing. Allele origin: germline.
Comment: This variant occurs in a non-coding region of the PRKAR1A gene. It does not change the encoded amino acid sequence of the PRKAR1A protein. This variant is not present in population databases (gnomAD no frequency). This variant has not been reported in the literature in individuals affected with PRKAR1A-related conditions. ClinVar contains an entry for this variant (Variation ID: 2728318). In summary, the available evidence is currently insufficient to determine the role of this variant in disease. Therefore, it has been classified as a Variant of Uncertain Significance.